The following is an entry in ClinVar:

NM_000059.4(BRCA2):c.2159A>T (p.Asp720Val)

Gene: BRCA2 (BRCA2 DNA repair associated; plus strand). Cytogenetic location: 13q13.1.
Variant type: single nucleotide variant.
Coding change: c.2159A>T on transcript NM_000059.4 (MANE Select); coding-DNA position 2159, A replaced by T.
Protein change: p.Asp720Val; replaces aspartic acid 720 with valine.
Molecular consequence: missense variant.
Genome position (GRCh38, 1-based): chr13:32,336,514, A>T. VCF-style: chr13-32336514-A-T. GRCh37 (hg19) VCF-style: chr13-32910651-A-T.
Other names: short protein forms D720V.
Identifiers: ClinVar variation 820813 (VCV000820813.11), dbSNP rs1593896239, ClinGen allele CA387770241.

ClinVar aggregate classification (germline): Conflicting classifications of pathogenicity. Review status: criteria provided, conflicting classifications (1 of 4 stars). 3 submissions from 3 submitters: Uncertain significance (2); Likely benign (1). Last evaluated 2025-04-09.

Conditions:
Hereditary cancer-predisposing syndrome. Also called: Neoplastic Syndromes, Hereditary; Tumor predisposition; Hereditary Cancer Syndrome; Hereditary neoplastic syndrome. Identifiers: Orphanet 140162, MedGen C0027672, MeSH D009386, MONDO:0015356.
Hereditary breast ovarian cancer syndrome. Also called: Hereditary breast and/or ovarian cancer syndrome; BRCA1- and BRCA2-Associated Hereditary Breast and Ovarian Cancer; Hereditary breast and ovarian cancer syndrome; Hereditary breast and ovarian cancer; Hereditary breast and ovarian cancer syndrome (HBOC); Breast and ovarian cancer. Identifiers: Orphanet 145, MedGen C0677776, MeSH D061325, MONDO:0003582. Disease mechanism: loss of function.

Submissions (3):

Labcorp Genetics (formerly Invitae), Labcorp
Classification: Uncertain significance for Hereditary breast ovarian cancer syndrome. Last evaluated: 2025-04-09. Review status: criteria provided, single submitter. Criteria: Invitae Variant Classification Sherloc (09022015). Collection method: clinical testing. Allele origin: germline.
Comment: This sequence change replaces aspartic acid, which is acidic and polar, with valine, which is neutral and non-polar, at codon 720 of the BRCA2 protein (p.Asp720Val). This variant is not present in population databases (gnomAD no frequency). This variant has not been reported in the literature in individuals affected with BRCA2-related conditions. ClinVar contains an entry for this variant (Variation ID: 820813). Invitae Evidence Modeling of protein sequence and biophysical properties (such as structural, functional, and spatial information, amino acid conservation, physicochemical variation, residue mobility, and thermodynamic stability) indicates that this missense variant is not expected to disrupt BRCA2 protein function with a negative predictive value of 95%. In summary, the available evidence is currently insufficient to determine the role of this variant in disease. Therefore, it has been classified as a Variant of Uncertain Significance.

University of Washington Department of Laboratory Medicine, University of Washington
Classification: Likely benign for Hereditary cancer-predisposing syndrome. Last evaluated: 2023-03-23. Review status: criteria provided, single submitter. Criteria: Dines et al. (Genet Med. 2020). Collection method: curation. Allele origin: germline.
Comment: Missense variant in a coldspot region where missense variants are very unlikely to be pathogenic (PMID:31911673).

BRCA2 exon 11 coldspot. Reclassification based on statistical prior probability.

Ambry Genetics
Classification: Uncertain significance for Hereditary cancer-predisposing syndrome. Last evaluated: 2023-03-08. Review status: criteria provided, single submitter. Criteria: Ambry Variant Classification Scheme 2023. Collection method: clinical testing. Allele origin: germline.
Comment: The p.D720V variant (also known as c.2159A>T), located in coding exon 10 of the BRCA2 gene, results from an A to T substitution at nucleotide position 2159. The aspartic acid at codon 720 is replaced by valine, an amino acid with highly dissimilar properties. This amino acid position is poorly conserved in available vertebrate species. In addition, this alteration is predicted to be tolerated by in silico analysis. Since supporting evidence is limited at this time, the clinical significance of this alteration remains unclear.